The following is an entry in ClinVar:

NM_020975.6(RET):c.1828A>C (p.Asn610His)

Gene: RET (ret proto-oncogene; plus strand). Cytogenetic location: 10q11.21.
Variant type: single nucleotide variant.
Coding change: c.1828A>C on transcript NM_020975.6 (MANE Select); coding-DNA position 1828, A replaced by C.
Protein change: p.Asn610His; replaces asparagine 610 with histidine.
Molecular consequence: missense variant.
Genome position (GRCh38, 1-based): chr10:43,113,624, A>C. VCF-style: chr10-43113624-A-C. GRCh37 (hg19) VCF-style: chr10-43609072-A-C.
Other names: c.1828A>C, p.Asn610His (NM_000323.2, NM_001406743.1, NM_001406744.1 and 6 more transcripts); c.1066A>C, p.Asn356His (NM_001355216.2); c.1699A>C, p.Asn567His (NM_001406761.1, NM_001406762.1, NM_001406764.1 and 1 more transcripts); c.1540A>C, p.Asn514His (NM_001406766.1, NM_001406767.1, NM_001406770.1); c.1432A>C, p.Asn478His (NM_001406769.1, NM_001406772.1); c.1390A>C, p.Asn464His (NM_001406771.1, NM_001406773.1); c.1303A>C, p.Asn435His (NM_001406774.1); c.1102A>C, p.Asn368His (NM_001406775.1, NM_001406776.1, NM_001406777.1 and 1 more transcripts); and 5 more; short protein forms N356H, N610H, N280H, N464H, N127H, N215H, N268H, N435H.
Identifiers: ClinVar variation 1008125 (VCV001008125.18), dbSNP rs1837994023, ClinGen allele CA376552761.

ClinVar aggregate classification (germline): Conflicting classifications of pathogenicity. Review status: criteria provided, conflicting classifications (1 of 4 stars). 4 submissions from 4 submitters: Uncertain significance (3); Likely benign (1). Last evaluated 2025-08-12.

Conditions:
Hereditary cancer-predisposing syndrome. Also called: Tumor predisposition; Hereditary neoplastic syndrome; Neoplastic Syndromes, Hereditary; Hereditary Cancer Syndrome. Identifiers: Orphanet 140162, MedGen C0027672, MeSH D009386, MONDO:0015356.
Hirschsprung disease, susceptibility to, 1 (HSCR1). Also called: RET-Related Hirschsprung Disease. Identifiers: Orphanet 388, MedGen C3888239, MONDO:0007723, OMIM 142623.
Multiple endocrine neoplasia type 2A. Also called: Multiple Endocrine Neoplasia Type 2A (MEN2A); MULTIPLE ENDOCRINE NEOPLASIA, TYPE IIA; PTC SYNDROME; SIPPLE SYNDROME; MEN 2A; MEN-2A syndrome. Identifiers: Orphanet 247698, Orphanet 653, MedGen C0025268, MeSH D018813, MONDO:0008234, OMIM 171400.
Multiple endocrine neoplasia type 2B. Also called: Multiple Endocrine Neoplasia Type 2B (MEN2B); MULTIPLE ENDOCRINE NEOPLASIA, TYPE IIB; Multiple endocrine neoplasia, type 3; MEN 2B; WAGENMANN-FROBOESE SYNDROME; MULTIPLE ENDOCRINE NEOPLASIA, TYPE III. Identifiers: Orphanet 247709, Orphanet 653, MedGen C0025269, MeSH D018814, MONDO:0008082, OMIM 162300.
Multiple endocrine neoplasia, type 2 (MEN2). Identifiers: Orphanet 653, MedGen C4048306, MONDO:0019003. Disease mechanism: gain of function.

gnomAD v4.1: 1 of 1,613,380 alleles (0.000062%); highest among the groups gnomAD compares: Non-Finnish European, 0.000085%; no homozygotes.

Submissions (4):

Color Diagnostics, LLC DBA Color Health
Classification: Likely benign for Multiple endocrine neoplasia, type 2. Last evaluated: 2025-08-12. Review status: criteria provided, single submitter. Criteria: ACMG Guidelines, 2015. Collection method: clinical testing. Allele origin: germline.

Labcorp Genetics (formerly Invitae), Labcorp
Classification: Uncertain significance for Multiple endocrine neoplasia, type 2. Last evaluated: 2024-12-02. Review status: criteria provided, single submitter. Criteria: Invitae Variant Classification Sherloc (09022015). Collection method: clinical testing. Allele origin: germline.
Comment: This sequence change replaces asparagine, which is neutral and polar, with histidine, which is basic and polar, at codon 610 of the RET protein (p.Asn610His). This variant is not present in population databases (gnomAD no frequency). This variant has not been reported in the literature in individuals affected with RET-related conditions. ClinVar contains an entry for this variant (Variation ID: 1008125). An algorithm developed to predict the effect of missense changes on protein structure and function (PolyPhen-2) suggests that this variant is likely to be tolerated. In summary, the available evidence is currently insufficient to determine the role of this variant in disease. Therefore, it has been classified as a Variant of Uncertain Significance.

Ambry Genetics
Classification: Uncertain significance for Hereditary cancer-predisposing syndrome. Last evaluated: 2024-11-25. Review status: criteria provided, single submitter. Criteria: Ambry Variant Classification Scheme 2023. Collection method: clinical testing. Allele origin: germline.

All of Us Research Program, National Institutes of Health
Classification: Uncertain significance for Multiple endocrine neoplasia, type 2. Last evaluated: 2023-05-04. Review status: criteria provided, single submitter. Criteria: ACMG Guidelines, 2015. Collection method: clinical testing. Allele origin: germline. Inheritance: Autosomal dominant inheritance. Observed: 1 variant allele, 1 heterozygote.
Comment: This missense variant replaces asparagine with histidine at codon 610 of the RET protein. Computational prediction suggests that this variant may not impact protein structure and function (internally defined REVEL score threshold <= 0.5, PMID: 27666373). To our knowledge, functional studies have not been reported for this variant. This variant has not been reported in individuals affected with RET-related disorders in the literature. This variant has not been identified in the general population by the Genome Aggregation Database (gnomAD). The available evidence is insufficient to determine the role of this variant in disease conclusively. Therefore, this variant is classified as a Variant of Uncertain Significance.

This study involves interpretation of variants in research participants for the purpose of population health screening. Participant phenotype was not available at the time of variant classification. Additional details can be found in publication PMID: 35346344, PMCID: PMC8962531